The following is an entry in ClinVar:

NM_000052.7(ATP7A):c.499C>T (p.Gln167Ter)

Gene: ATP7A (ATPase copper transporting alpha; plus strand). Cytogenetic location: Xq21.1.
Variant type: single nucleotide variant.
Coding change: c.499C>T on transcript NM_000052.7 (MANE Select); coding-DNA position 499, C replaced by T.
Protein change: p.Gln167Ter; replaces glutamine 167 with a stop codon.
Molecular consequence: nonsense.
Genome position (GRCh38, 1-based): chrX:77,988,620, C>T. VCF-style: chrX-77988620-C-T. GRCh37 (hg19) VCF-style: chrX-77244116-C-T.
Other names: c.499C>T, p.Gln167Ter (NM_001282224.2); c.499C>T (NM_000052.6); short protein forms Q167*.
Identifiers: ClinVar variation 2138615 (VCV002138615.5), dbSNP rs72554635, ClinGen allele CA331102938.

ClinVar aggregate classification (germline): Pathogenic. Review status: criteria provided, single submitter (1 of 4 stars). 2 submissions from 2 submitters: Pathogenic (1). 1 of the submissions does not count toward it. Last evaluated 2024-10-22.

Conditions:
Menkes kinky-hair syndrome (MNK). Also called: Copper transport disease; Menkes Disease; Classic Menkes Disease. Identifiers: Orphanet 565, MedGen C0022716, MONDO:0010651, OMIM 309400.
Cutis laxa, X-linked (OHS). Also called: EDS IX; Occipital horn syndrome. Identifiers: Orphanet 198, MedGen C0268353, MONDO:0010572, OMIM 304150.
X-linked distal spinal muscular atrophy type 3. Also called: SPINAL MUSCULAR ATROPHY, DISTAL, X-LINKED RECESSIVE; NEURONOPATHY, DISTAL HEREDITARY MOTOR, X-LINKED; NEUROPATHY, DISTAL HEREDITARY MOTOR, X-LINKED; ATP7A-Related Distal Motor Neuropathy. Identifiers: Orphanet 139557, MedGen C1845359, MONDO:0010338, OMIM 300489.

Submissions (2):

Labcorp Genetics (formerly Invitae), Labcorp
Classification: Pathogenic for X-linked distal spinal muscular atrophy type 3; Cutis laxa, X-linked; Menkes kinky-hair syndrome. Last evaluated: 2024-10-22. Review status: criteria provided, single submitter. Criteria: Invitae Variant Classification Sherloc (09022015). Collection method: clinical testing. Allele origin: germline.
Comment: This sequence change creates a premature translational stop signal (p.Gln167*) in the ATP7A gene. It is expected to result in an absent or disrupted protein product. Loss-of-function variants in ATP7A are known to be pathogenic (PMID: 11241493, 20652413). This variant is not present in population databases (gnomAD no frequency). This premature translational stop signal has been observed in individual(s) with Menkes disease (PMID: 7977350). This variant is also known as C644>T (Q167>X). ClinVar contains an entry for this variant (Variation ID: 2138615). For these reasons, this variant has been classified as Pathogenic.

Inherited Neuropathy Consortium Ii, University Of Miami
Classification: Uncertain significance for Menkes kinky-hair syndrome. Last evaluated: 2016-01-06. Review status: no assertion criteria provided. Collection method: literature only. Allele origin: germline. Affected: yes. Not counted in ClinVar's aggregate classification.

Literature cited by the submitters: PubMed 11241493 (cited by Labcorp Genetics (formerly Invitae), Labcorp); PubMed 20652413 (cited by Labcorp Genetics (formerly Invitae), Labcorp and Inherited Neuropathy Consortium Ii, University Of Miami); PubMed 7977350 (cited by Labcorp Genetics (formerly Invitae), Labcorp).